The following is an entry in ClinVar:

NM_000321.3(RB1):c.474G>T (p.Leu158Phe)

Gene: RB1 (RB transcriptional corepressor 1; plus strand). Cytogenetic location: 13q14.2.
Variant type: single nucleotide variant.
Coding change: c.474G>T on transcript NM_000321.3 (MANE Select); coding-DNA position 474, G replaced by T.
Protein change: p.Leu158Phe; replaces leucine 158 with phenylalanine.
Molecular consequence: missense variant.
Genome position (GRCh38, 1-based): chr13:48,345,173, G>T. VCF-style: chr13-48345173-G-T. GRCh37 (hg19) VCF-style: chr13-48919309-G-T.
Other names: short protein forms L158F.
Identifiers: ClinVar variation 1692386 (VCV001692386.3), dbSNP rs1319691084, ClinGen allele CA388252802.

ClinVar aggregate classification (germline): Uncertain significance. Review status: criteria provided, multiple submitters, no conflicts (2 of 4 stars). 3 submissions from 3 submitters: Uncertain significance (3). Last evaluated 2025-11-09.

Conditions:
Hereditary cancer-predisposing syndrome. Also called: Hereditary Cancer Syndrome; Hereditary neoplastic syndrome; Neoplastic Syndromes, Hereditary; Tumor predisposition. Identifiers: Orphanet 140162, MedGen C0027672, MeSH D009386, MONDO:0015356.
Retinoblastoma (RB1). Also called: RETINOBLASTOMA, SOMATIC. Identifiers: Orphanet 790, MedGen C0035335, MeSH D012175, MONDO:0008380, OMIM 180200, HP:0009919. Disease mechanism: loss of function. Inheritance: Both sporadic and heritable forms are tested..

Submissions (3):

Labcorp Genetics (formerly Invitae), Labcorp
Classification: Uncertain significance for Retinoblastoma. Last evaluated: 2025-11-09. Review status: criteria provided, single submitter. Criteria: Invitae Variant Classification Sherloc (09022015). Collection method: clinical testing. Allele origin: germline.
Comment: This sequence change replaces leucine, which is neutral and non-polar, with phenylalanine, which is neutral and non-polar, at codon 158 of the RB1 protein (p.Leu158Phe). This variant is not present in population databases (gnomAD no frequency). This variant has not been reported in the literature in individuals affected with RB1-related conditions. ClinVar contains an entry for this variant (Variation ID: 1692386). Invitae Evidence Modeling of protein sequence and biophysical properties (such as structural, functional, and spatial information, amino acid conservation, physicochemical variation, residue mobility, and thermodynamic stability) indicates that this missense variant is not expected to disrupt RB1 protein function with a negative predictive value of 80%. In summary, the available evidence is currently insufficient to determine the role of this variant in disease. Therefore, it has been classified as a Variant of Uncertain Significance.

Ambry Genetics
Classification: Uncertain significance for Hereditary cancer-predisposing syndrome. Last evaluated: 2023-10-06. Review status: criteria provided, single submitter. Criteria: Ambry Variant Classification Scheme 2023. Collection method: clinical testing. Allele origin: germline.
Comment: The p.L158F variant (also known as c.474G>T), located in coding exon 4 of the RB1 gene, results from a G to T substitution at nucleotide position 474. The leucine at codon 158 is replaced by phenylalanine, an amino acid with highly similar properties. This amino acid position is highly conserved in available vertebrate species. In addition, this alteration is predicted to be tolerated by in silico analysis. Since supporting evidence is limited at this time, the clinical significance of this alteration remains unclear.

Sema4
Classification: Uncertain significance for Hereditary cancer-predisposing syndrome. Last evaluated: 2021-09-25. Review status: criteria provided, single submitter. Criteria: Sema4 Curation Guidelines. Collection method: curation. Allele origin: germline.
Comment: The RB1 c.474G>T (p.L158F) variant has not been reported in the literature to our knowledge. It was not observed in the large and broad cohorts of the Genome Aggregation Database. The variant has not been reported in ClinVar. Functional studies have not been performed, and in silico predictions of the variant's effect on protein function are inconclusive. The evidence is insufficient to meet ACMG/AMP criteria for classifying the variant as benign or pathogenic. Thus, the clinical significance of this variant is currently uncertain.